The following is an entry in ClinVar:

NC_000022.10:g.(?_26859863)_(26864609_?)del

Gene: HPS4 (HPS4 biogenesis of lysosomal organelles complex 3 subunit 2; minus strand). Cytogenetic location: 22q12.1.
Variant type: Deletion.
Identifiers: ClinVar variation 2426711 (VCV002426711.4).

ClinVar aggregate classification (germline): Pathogenic (1 of 4 stars; one submission).

Submission:

Labcorp Genetics (formerly Invitae), Labcorp
Classification: Pathogenic. Last evaluated: 2022-10-20. Review status: criteria provided, single submitter. Criteria: Invitae Variant Classification Sherloc (09022015). Collection method: clinical testing. Allele origin: germline.
Comment: For these reasons, this variant has been classified as Pathogenic. This variant has not been reported in the literature in individuals affected with HPS4-related conditions. This variant is a gross deletion of the genomic region encompassing exon(s) 8-11 of the HPS4 gene. This deletion is out-of-frame, and is expected to create a premature termination codon and result in an absent or disrupted protein product. Loss-of-function variants in HPS4 are known to be pathogenic (PMID: 12664304).

Literature cited by the submitters: PubMed 12664304.